The following is an entry in ClinVar:

NM_001009944.3(PKD1):c.6624C>T (p.Gly2208=)

Gene: PKD1 (polycystin 1, transient receptor potential channel interacting; minus strand). Cytogenetic location: 16p13.3.
Variant type: single nucleotide variant.
Coding change: c.6624C>T on transcript NM_001009944.3 (MANE Select); coding-DNA position 6624, C replaced by T.
Protein change: p.Gly2208=; no amino-acid change (glycine 2208 retained).
Molecular consequence: synonymous variant.
Genome position (GRCh38, 1-based): chr16:2,108,543, G>A on the plus strand (C>T on the coding strand, the complement: PKD1 is on the minus strand). VCF-style: chr16-2108543-G-A. GRCh37 (hg19) VCF-style: chr16-2158544-G-A.
Other names: c.6624C>T, p.Gly2208= (NM_000296.4).
Identifiers: ClinVar variation 2646008 (VCV002646008.24), dbSNP rs367984427, ClinGen allele CA7831531.

ClinVar aggregate classification (germline): Likely benign (1 of 4 stars; one submission).

Allele frequency attached by ClinVar (database versions not stated): gnomAD exomes 0.00001; TOPMed 0.00002; ExAC 0.00003; gnomAD 0.00003; ESP Exome Variant Server 0.00008.
gnomAD v4.1: 16 of 1,605,176 alleles (0.001%); highest among the groups gnomAD compares: Middle Eastern, 0.023%; no homozygotes.

Submission:

CeGaT Center for Human Genetics Tuebingen
Classification: Likely benign. Last evaluated: 2022-04-01. Review status: criteria provided, single submitter. Criteria: CeGaT Center For Human Genetics Tuebingen Variant Classification Criteria Version 2. Collection method: clinical testing. Allele origin: germline. Affected: yes. Observed: 1 variant allele.
Comment: PKD1: BP4, BP7